The following is an entry in ClinVar:

ClinVar aggregate classification (germline): Pathogenic (1 of 4 stars; one submission).

Conditions:
Neuronal ceroid lipofuscinosis. Also called: Neuronal Ceroid Lipofuscinoses. Identifiers: Orphanet 216, Orphanet 79263, MedGen C0027877, MONDO:0016295. Disease mechanism: loss of function.

Submission:

Labcorp Genetics (formerly Invitae), Labcorp
Classification: Pathogenic for Neuronal ceroid lipofuscinosis. Last evaluated: 2021-08-09. Review status: criteria provided, single submitter. Criteria: Invitae Variant Classification Sherloc (09022015). Collection method: clinical testing. Allele origin: germline.
Comment: For these reasons, this variant has been classified as Pathogenic. This variant has not been reported in the literature in individuals affected with CLN5-related conditions. This variant is not present in population databases (ExAC no frequency). This sequence change creates a premature translational stop signal (p.Pro133Argfs*5) in the CLN5 gene. It is expected to result in an absent or disrupted protein product. Loss-of-function variants in CLN5 are known to be pathogenic (PMID: 20157158).

Literature cited by the submitters: PubMed 20157158.

NM_006493.4(CLN5):c.251_252del (p.Pro84fs)

Gene: CLN5 (CLN5 lysosomal BMP synthase; plus strand). Cytogenetic location: 13q22.3.
Variant type: Deletion.
Coding change: c.251_252del on transcript NM_006493.4 (MANE Select); coding-DNA positions 251 to 252, 2 bases deleted (CA; older notation c.251_252delCA).
Protein change: p.Pro84fs; shifts the reading frame from proline 84.
Molecular consequence: frameshift variant.
Genome position (GRCh38, 1-based): chr13:76,995,140-76,995,141, CA deleted. VCF-style (leftmost placement, unchanged base first): chr13-76995139-CCA-C. GRCh37 (hg19) VCF-style: chr13-77569274-CCA-C.
Other names: c.251_252del, p.Pro84fs (NM_001366624.2); short protein forms P84fs.
Identifiers: ClinVar variation 1351290 (VCV001351290.6), dbSNP rs2154034636, ClinGen allele CA2573149749.